The following is an entry in ClinVar:

ClinVar aggregate classification (germline): Uncertain significance (1 of 4 stars; one submission).

Allele frequency attached by ClinVar (database versions not stated): gnomAD exomes below 0.00001; ExAC 0.00001.
gnomAD v4.1: 2 of 1,612,592 alleles (0.00012%); highest among the groups gnomAD compares: Admixed American, 0.0017%; no homozygotes.

Submission:

Labcorp Genetics (formerly Invitae), Labcorp
Classification: Uncertain significance. Last evaluated: 2021-06-21. Review status: criteria provided, single submitter. Criteria: Invitae Variant Classification Sherloc (09022015). Collection method: clinical testing. Allele origin: germline.
Comment: In summary, the available evidence is currently insufficient to determine the role of this variant in disease. Therefore, it has been classified as a Variant of Uncertain Significance. Advanced modeling of protein sequence and biophysical properties (such as structural, functional, and spatial information, amino acid conservation, physicochemical variation, residue mobility, and thermodynamic stability) performed at Invitae indicates that this missense variant is not expected to disrupt CLCN7 protein function. This variant has not been reported in the literature in individuals with CLCN7-related conditions. This variant is present in population databases (rs760207641, ExAC 0.009%). This sequence change replaces isoleucine with threonine at codon 598 of the CLCN7 protein (p.Ile598Thr). The isoleucine residue is weakly conserved and there is a moderate physicochemical difference between isoleucine and threonine.

NM_001287.6(CLCN7):c.1793T>C (p.Ile598Thr)

Gene: CLCN7 (chloride voltage-gated channel 7; minus strand). Cytogenetic location: 16p13.3.
Variant type: single nucleotide variant.
Coding change: c.1793T>C on transcript NM_001287.6 (MANE Select); coding-DNA position 1793, T replaced by C.
Protein change: p.Ile598Thr; replaces isoleucine 598 with threonine.
Molecular consequence: missense variant.
Genome position (GRCh38, 1-based): chr16:1,448,970, A>G on the plus strand (T>C on the coding strand, the complement: CLCN7 is on the minus strand). VCF-style: chr16-1448970-A-G. GRCh37 (hg19) VCF-style: chr16-1498971-A-G.
Other names: c.1721T>C, p.Ile574Thr (NM_001114331.3); short protein forms I598T, I574T.
Identifiers: ClinVar variation 1359457 (VCV001359457.8), dbSNP rs760207641, ClinGen allele CA7810082.